The following is an entry in ClinVar:

NM_004168.4(SDHA):c.1319A>T (p.Glu440Val)

Gene: SDHA (succinate dehydrogenase complex flavoprotein subunit A; plus strand). Cytogenetic location: 5p15.33.
Variant type: single nucleotide variant.
Coding change: c.1319A>T on transcript NM_004168.4 (MANE Select); coding-DNA position 1319, A replaced by T.
Protein change: p.Glu440Val; replaces glutamic acid 440 with valine.
Molecular consequence: missense variant.
Genome position (GRCh38, 1-based): chr5:236,486, A>T. VCF-style: chr5-236486-A-T. GRCh37 (hg19) VCF-style: chr5-236601-A-T.
Other names: c.1175A>T, p.Glu392Val (NM_001294332.2); c.1319A>T, p.Glu440Val (NM_001330758.2); short protein forms E392V, E440V.
Identifiers: ClinVar variation 1021378 (VCV001021378.9), dbSNP rs1735789704, ClinGen allele CA359013920.

ClinVar aggregate classification (germline): Uncertain significance (1 of 4 stars; one submission).

Conditions:
Mitochondrial complex II deficiency, nuclear type 1. Also called: SUCCINATE CoQ REDUCTASE DEFICIENCY. Identifiers: Orphanet 3208, MedGen C5700310, MONDO:0100294, OMIM 252011.
Pheochromocytoma/paraganglioma syndrome 5. Also called: Paragangliomas 5; SDHA-Related Hereditary Paraganglioma-Pheochromocytoma Syndrome. Identifiers: Orphanet 29072, MedGen C3279992, MONDO:0013602, OMIM 614165.

Submission:

Labcorp Genetics (formerly Invitae), Labcorp
Classification: Uncertain significance for Pheochromocytoma/paraganglioma syndrome 5; Mitochondrial complex II deficiency, nuclear type 1. Last evaluated: 2020-03-05. Review status: criteria provided, single submitter. Criteria: Invitae Variant Classification Sherloc (09022015). Collection method: clinical testing. Allele origin: germline.
Comment: In summary, the available evidence is currently insufficient to determine the role of this variant in disease. Therefore, it has been classified as a Variant of Uncertain Significance. Algorithms developed to predict the effect of missense changes on protein structure and function (SIFT, PolyPhen-2, Align-GVGD) all suggest that this variant is likely to be disruptive, but these predictions have not been confirmed by published functional studies and their clinical significance is uncertain. This variant has not been reported in the literature in individuals with SDHA-related conditions. This variant is not present in population databases (ExAC no frequency). This sequence change replaces glutamic acid with valine at codon 440 of the SDHA protein (p.Glu440Val). The glutamic acid residue is highly conserved and there is a moderate physicochemical difference between glutamic acid and valine.